The following is an entry in ClinVar:

NM_015102.5(NPHP4):c.1081G>C (p.Glu361Gln)

Gene: NPHP4 (nephrocystin 4; minus strand). Cytogenetic location: 1p36.31.
Variant type: single nucleotide variant.
Coding change: c.1081G>C on transcript NM_015102.5 (MANE Select); coding-DNA position 1081, G replaced by C.
Protein change: p.Glu361Gln; replaces glutamic acid 361 with glutamine.
Molecular consequence: missense variant. On other transcripts: 5 prime UTR variant (2), non-coding transcript variant (1).
Genome position (GRCh38, 1-based): chr1:5,947,142, C>G on the plus strand (G>C on the coding strand, the complement: NPHP4 is on the minus strand). VCF-style: chr1-5947142-C-G. GRCh37 (hg19) VCF-style: chr1-6007202-C-G.
Other names: c.-286G>C (NM_001291593.2, NM_001291594.2); short protein forms E361Q.
Identifiers: ClinVar variation 1350077 (VCV001350077.6), dbSNP rs2101924426, ClinGen allele CA338063924.

ClinVar aggregate classification (germline): Uncertain significance (1 of 4 stars; one submission).

Conditions:
Nephronophthisis. Also called: Juvenile Nephronophthisis. Identifiers: Orphanet 655, MedGen C0687120, MONDO:0019005, HP:0000090.

Submission:

Labcorp Genetics (formerly Invitae), Labcorp
Classification: Uncertain significance for Nephronophthisis. Last evaluated: 2021-09-17. Review status: criteria provided, single submitter. Criteria: Invitae Variant Classification Sherloc (09022015). Collection method: clinical testing. Allele origin: germline.
Comment: In summary, the available evidence is currently insufficient to determine the role of this variant in disease. Therefore, it has been classified as a Variant of Uncertain Significance. Algorithms developed to predict the effect of missense changes on protein structure and function are either unavailable or do not agree on the potential impact of this missense change (SIFT: "Deleterious"; PolyPhen-2: "Probably Damaging"; Align-GVGD: "Class C0"). This variant has not been reported in the literature in individuals affected with NPHP4-related conditions. This variant is not present in population databases (ExAC no frequency). This sequence change replaces glutamic acid with glutamine at codon 361 of the NPHP4 protein (p.Glu361Gln). The glutamic acid residue is highly conserved and there is a small physicochemical difference between glutamic acid and glutamine.